The following is an entry in ClinVar:

NM_006947.4(SRP72):c.1691A>C (p.Lys564Thr)

Gene: SRP72 (signal recognition particle 72; plus strand). Cytogenetic location: 4q12.
Variant type: single nucleotide variant.
Coding change: c.1691A>C on transcript NM_006947.4 (MANE Select); coding-DNA position 1691, A replaced by C.
Protein change: p.Lys564Thr; replaces lysine 564 with threonine.
Molecular consequence: missense variant. On other transcripts: non-coding transcript variant (1).
Genome position (GRCh38, 1-based): chr4:56,500,548, A>C. VCF-style: chr4-56500548-A-C. GRCh37 (hg19) VCF-style: chr4-57366714-A-C.
Other names: c.1508A>C, p.Lys503Thr (NM_001267722.2); short protein forms K503T, K564T.
Identifiers: ClinVar variation 1472591 (VCV001472591.8), dbSNP rs1001767158, ClinGen allele CA97617051.

ClinVar aggregate classification (germline): Uncertain significance. Review status: criteria provided, multiple submitters, no conflicts (2 of 4 stars). 3 submissions from 3 submitters: Uncertain significance (3). Last evaluated 2025-01-01.

Allele frequency attached by ClinVar (database versions not stated): gnomAD 0.00001; TOPMed 0.00002.
gnomAD v4.1: 1 of 1,612,592 alleles (0.000062%); highest among the groups gnomAD compares: African/African-American, 0.0013%; no homozygotes.

Submissions (3):

Ambry Genetics
Classification: Uncertain significance. Last evaluated: 2025-01-01. Review status: criteria provided, single submitter. Criteria: Ambry Variant Classification Scheme 2023. Collection method: clinical testing. Allele origin: germline.
Comment: The p.K564T variant (also known as c.1691A>C), located in coding exon 18 of the SRP72 gene, results from an A to C substitution at nucleotide position 1691. The lysine at codon 564 is replaced by threonine, an amino acid with similar properties. This amino acid position is conserved. In addition, this alteration is predicted to be deleterious by in silico analysis. Based on the available evidence, the clinical significance of this variant remains unclear.

GeneDx
Classification: Uncertain significance. Last evaluated: 2022-06-30. Review status: criteria provided, single submitter. Criteria: GeneDx Variant Classification Process June 2021. Collection method: clinical testing. Allele origin: germline. Affected: yes.
Comment: Not observed at significant frequency in large population cohorts (gnomAD); In silico analysis supports that this missense variant has a deleterious effect on protein structure/function; Has not been previously published as pathogenic or benign to our knowledge; This variant is associated with the following publications: (PMID: 21073748)

Labcorp Genetics (formerly Invitae), Labcorp
Classification: Uncertain significance. Last evaluated: 2022-03-02. Review status: criteria provided, single submitter. Criteria: Invitae Variant Classification Sherloc (09022015). Collection method: clinical testing. Allele origin: germline.
Comment: This sequence change replaces lysine, which is basic and polar, with threonine, which is neutral and polar, at codon 564 of the SRP72 protein (p.Lys564Thr). This variant is present in population databases (no rsID available, gnomAD 0.01%). In summary, the available evidence is currently insufficient to determine the role of this variant in disease. Therefore, it has been classified as a Variant of Uncertain Significance. Algorithms developed to predict the effect of missense changes on protein structure and function are either unavailable or do not agree on the potential impact of this missense change (SIFT: "Deleterious"; PolyPhen-2: "Probably Damaging"; Align-GVGD: "Class C0"). This variant has not been reported in the literature in individuals affected with SRP72-related conditions.